The following is an entry in ClinVar:

ClinVar aggregate classification (germline): Likely benign. Review status: criteria provided, multiple submitters, no conflicts (2 of 4 stars). 2 submissions from 2 submitters: Likely benign (2). Last evaluated 2025-12-31.

Allele frequency attached by ClinVar (database versions not stated): gnomAD exomes 0.00003; ExAC 0.00005; gnomAD 0.00019; 1000 Genomes Project 0.00020; TOPMed 0.00022; ESP Exome Variant Server 0.00023; 1000 Genomes Project 30x 0.00031.
gnomAD v4.1: 69 of 1,614,194 alleles (0.0043%); highest among the groups gnomAD compares: African/African-American, 0.071%; no homozygotes.

Submissions (2):

Labcorp Genetics (formerly Invitae), Labcorp
Classification: Likely benign. Last evaluated: 2025-12-31. Review status: criteria provided, single submitter. Criteria: Invitae Variant Classification Sherloc (09022015). Collection method: clinical testing. Allele origin: germline.

CeGaT Center for Human Genetics Tuebingen
Classification: Likely benign. Last evaluated: 2025-05-01. Review status: criteria provided, single submitter. Criteria: CeGaT Center For Human Genetics Tuebingen Variant Classification Criteria Version 2. Collection method: clinical testing. Allele origin: germline. Affected: yes. Observed: 2 variant alleles.
Comment: DDB2: BP4, BP7

NM_000107.3(DDB2):c.918G>A (p.Thr306=)

Gene: DDB2 (damage specific DNA binding protein 2; plus strand). Cytogenetic location: 11p11.2.
Variant type: single nucleotide variant.
Coding change: c.918G>A on transcript NM_000107.3 (MANE Select); coding-DNA position 918, G replaced by A.
Protein change: p.Thr306=; no amino-acid change (threonine 306 retained).
Molecular consequence: synonymous variant. On other transcripts: non-coding transcript variant (2), intron variant (2).
Genome position (GRCh38, 1-based): chr11:47,235,307, G>A. VCF-style: chr11-47235307-G-A. GRCh37 (hg19) VCF-style: chr11-47256858-G-A.
Other names: c.918G>A, p.Thr306= (NM_001399874.1, NM_001399875.1); c.726G>A, p.Thr242= (NM_001399878.1); c.457-2530G>A (NM_001399876.1, NM_001300734.2).
Identifiers: ClinVar variation 3025228 (VCV003025228.23), dbSNP rs140886714, ClinGen allele CA5972660.